The following is an entry in ClinVar:

NM_001754.5(RUNX1):c.303G>T (p.Val101=)

Gene: RUNX1 (RUNX family transcription factor 1; minus strand). Cytogenetic location: 21q22.12.
Variant type: single nucleotide variant.
Coding change: c.303G>T on transcript NM_001754.5 (MANE Select); coding-DNA position 303, G replaced by T.
Protein change: p.Val101=; no amino-acid change (valine 101 retained).
Molecular consequence: synonymous variant.
Genome position (GRCh38, 1-based): chr21:34,886,891, C>A on the plus strand (G>T on the coding strand, the complement: RUNX1 is on the minus strand). VCF-style: chr21-34886891-C-A. GRCh37 (hg19) VCF-style: chr21-36259188-C-A.
Other names: NM_001754.5(RUNX1):c.303G>T; p.Val101=; c.222G>T, p.Val74= (NM_001001890.3, NM_001122607.2).
Identifiers: ClinVar variation 239047 (VCV000239047.26), dbSNP rs142472642, ClinGen allele CA10014552.
Genomic context (GRCh38, chr21:34,886,891, plus strand): 5'-CCGGGCCAGTACCTTGAAAGCGATGGGCAGGGTCTTGTTGCAGCGCCAGTGCGTAGGCAG[C>A]ACGGAGCAGAGGAAGTTGGGGCTGTCGGTGCGCACCAGCTCGCCCGGGTGGTCGGCCAGC-3'
Protein context (NP_001745.2, residues 91-111): RTDSPNFLCS[Val101=]LPTHWRCNKT

ClinVar aggregate classification (germline): Benign. Review status: reviewed by expert panel (3 of 4 stars). 12 submissions from 11 submitters: Benign (1). 11 of the submissions do not count toward it. Last evaluated 2024-06-24.

Conditions:
Hereditary thrombocytopenia and hematologic cancer predisposition syndrome. Identifiers: Orphanet 71290, MedGen CN281654, MONDO:0011071.
Inborn genetic diseases. Identifiers: MedGen C0950123, MeSH D030342.
Hereditary cancer-predisposing syndrome. Also called: Tumor predisposition; Hereditary Cancer Syndrome; Neoplastic Syndromes, Hereditary; Hereditary neoplastic syndrome. Identifiers: Orphanet 140162, MedGen C0027672, MeSH D009386, MONDO:0015356.
Acute myeloid leukemia (AML). Also called: Acute myeloid leukemia, adult; AML adult; Acute non-lymphocytic leukemia; Acute granulocytic leukemia; Leukemia, acute myelogenous, somatic; Leukemia, acute myeloid, somatic. Identifiers: Orphanet 519, MedGen C0023467, MeSH D015470, MONDO:0018874, OMIM 601626, HP:0004808. Disease mechanism: Constitutively activated FLT3.
Hereditary thrombocytopenia and hematological cancer predisposition syndrome associated with RUNX1. Also called: RUNX1 Familial Platelet Disorder with Associated Myeloid Malignancies; Familial Platelet Disorder with Propensity to Acute Myelogenous Leukemia; PLATELET DISORDER, ASPIRIN-LIKE; Familial thrombocytopenia with propensity to acute myelogenous leukemia. Identifiers: Orphanet 71290, MedGen C1832388, MeSH C563324, MONDO:0100083, OMIM 601399.

Allele frequency attached by ClinVar (database versions not stated): gnomAD 0.00185 and 0.00200; TOPMed 0.00190; 1000 Genomes Project 0.00200; 1000 Genomes Project 30x 0.00203; ESP Exome Variant Server 0.00238.
gnomAD v4.1: 596 of 1,613,678 alleles (0.037%); highest among the groups gnomAD compares: African/African-American, 0.7%; no homozygotes.

Submissions (12):

ClinGen Myeloid Malignancy Variant Curation Expert Panel
Classification: Benign for Hereditary thrombocytopenia and hematologic cancer predisposition syndrome. Last evaluated: 2024-06-24. Review status: reviewed by expert panel. Criteria: ClinGen MyeloMalig ACMG Specifications v2. Collection method: curation. Allele origin: germline. Inheritance: Autosomal dominant inheritance.
Comment: NM_001754.5(RUNX1):c.303G>T (p.Val101=) is a synonymous variant. MAF of 0.00671 (0.671%, 167/24878, 167 alleles) in the African subpopulation of the gnomAD cohort is ≥ 0.0015 (0.15%) (BA1). Not a missense variant, therefore, no REVEL score and SpliceAI is ≤0.50 (0.00) (BP4). Evolutionary conservation prediction algorithms predict the site as not being conserved (PhyloP score 1.4739 < 2.0 or the variant is the reference nucleotide in one primate and/or three mammal species) (BP7). In summary, this variant meets criteria to be classified as benign. ACMG/AMP criteria applied, as specified by the Myeloid Malignancy Variant Curation Expert Panel for RUNX1: BA1, BP4, BP7.

Labcorp Genetics (formerly Invitae), Labcorp
Classification: Benign for Hereditary thrombocytopenia and hematological cancer predisposition syndrome associated with RUNX1. Last evaluated: 2026-01-24. Review status: criteria provided, single submitter. Criteria: Invitae Variant Classification Sherloc (09022015). Collection method: clinical testing. Allele origin: germline. Not counted in ClinVar's aggregate classification.

KCCC/NGS Laboratory, Kuwait Cancer Control Center
Classification: Benign for Hereditary thrombocytopenia and hematological cancer predisposition syndrome associated with RUNX1. Last evaluated: 2025-02-01. Review status: criteria provided, single submitter. Criteria: ACMG Guidelines, 2015. Collection method: clinical testing. Allele origin: germline. Affected: no. Not counted in ClinVar's aggregate classification.

Blueprint Genetics
Classification: Likely benign. Last evaluated: 2024-08-30. Review status: criteria provided, single submitter. Criteria: ACMG Guidelines, 2015. Collection method: clinical testing. Allele origin: germline. Not counted in ClinVar's aggregate classification.

Mayo Clinic Laboratories, Mayo Clinic
Classification: Benign. Last evaluated: 2024-08-28. Review status: criteria provided, single submitter. Criteria: ACMG Guidelines, 2015. Collection method: clinical testing. Allele origin: germline. Observed: 6 variant alleles. Not counted in ClinVar's aggregate classification.

Ambry Genetics
Classification: Likely benign for Inborn genetic diseases. Last evaluated: 2024-08-21. Review status: criteria provided, single submitter. Criteria: Ambry Variant Classification Scheme 2023. Collection method: clinical testing. Allele origin: germline. Not counted in ClinVar's aggregate classification.

KCCC/NGS Laboratory, Kuwait Cancer Control Center
Classification: Benign for Acute myeloid leukemia. Last evaluated: 2023-07-07. Review status: criteria provided, single submitter. Criteria: ACMG Guidelines, 2015. Collection method: clinical testing. Allele origin: germline. Affected: yes. Not counted in ClinVar's aggregate classification.

Sema4
Classification: Benign for Hereditary cancer-predisposing syndrome. Last evaluated: 2020-10-22. Review status: criteria provided, single submitter. Criteria: Sema4 Curation Guidelines. Collection method: curation. Allele origin: germline. Not counted in ClinVar's aggregate classification.

Genetic Services Laboratory, University of Chicago
Classification: Benign. Last evaluated: 2019-06-14. Review status: criteria provided, single submitter. Criteria: ACMG Guidelines, 2015. Collection method: clinical testing. Allele origin: germline. Affected: no. Not counted in ClinVar's aggregate classification.

Illumina Laboratory Services, Illumina
Classification: Likely benign for Hereditary thrombocytopenia and hematological cancer predisposition syndrome associated with RUNX1. Last evaluated: 2017-04-28. Review status: criteria provided, single submitter. Criteria: ICSL Variant Classification Criteria 13 December 2019. Collection method: clinical testing. Allele origin: germline. Not counted in ClinVar's aggregate classification.
Comment: This variant was observed as part of a predisposition screen in an ostensibly healthy population. A literature search was performed for the gene, cDNA change, and amino acid change (where applicable). Publications were found based on this search. The evidence from the literature, in combination with allele frequency data from public databases where available, was sufficient to determine this variant is unlikely to cause disease. Therefore, this variant is classified as likely benign.

PreventionGenetics, part of Exact Sciences
Classification: Likely benign. Last evaluated: 2016-05-04. Review status: criteria provided, single submitter. Criteria: ACMG Guidelines, 2015. Collection method: clinical testing. Allele origin: germline. Not counted in ClinVar's aggregate classification.

Breakthrough Genomics
Classification: Likely benign. Review status: criteria provided, single submitter. Criteria: ACMG Guidelines, 2015. Collection method: not provided. Allele origin: germline. Inheritance: Autosomal dominant inheritance. Affected: yes. Not counted in ClinVar's aggregate classification.

Literature cited by the submitters: PubMed 12172547 (cited by Illumina Laboratory Services, Illumina).